The following is an entry in ClinVar:

ClinVar aggregate classification (germline): Uncertain significance. Review status: criteria provided, multiple submitters, no conflicts (2 of 4 stars). 2 submissions from 2 submitters: Uncertain significance (2). Last evaluated 2025-04-19.

Conditions:
Pancreatic adenocarcinoma. Identifiers: MedGen C0281361, MONDO:0006047, HP:0006725.

Allele frequency attached by ClinVar (database versions not stated): TOPMed 0.00001.
gnomAD v4.1: 4 of 1,613,326 alleles (0.00025%); highest among the groups gnomAD compares: Middle Eastern, 0.016%; no homozygotes.

Submissions (2):

Ambry Genetics
Classification: Uncertain significance. Last evaluated: 2025-04-19. Review status: criteria provided, single submitter. Criteria: Ambry Variant Classification Scheme 2023. Collection method: clinical testing. Allele origin: germline.
Comment: The p.G388D variant (also known as c.1163G>A), located in coding exon 6 of the PALLD gene, results from a G to A substitution at nucleotide position 1163. The glycine at codon 388 is replaced by aspartic acid, an amino acid with similar properties. This amino acid position is conserved. In addition, this alteration is predicted to be deleterious by in silico analysis. Based on the available evidence, the clinical significance of this variant remains unclear.

Labcorp Genetics (formerly Invitae), Labcorp
Classification: Uncertain significance for Pancreatic adenocarcinoma. Last evaluated: 2022-05-21. Review status: criteria provided, single submitter. Criteria: Invitae Variant Classification Sherloc (09022015). Collection method: clinical testing. Allele origin: germline.
Comment: In summary, the available evidence is currently insufficient to determine the role of this variant in disease. Therefore, it has been classified as a Variant of Uncertain Significance. Algorithms developed to predict the effect of missense changes on protein structure and function (SIFT, PolyPhen-2, Align-GVGD) all suggest that this variant is likely to be disruptive. ClinVar contains an entry for this variant (Variation ID: 216533). This variant has not been reported in the literature in individuals affected with PALLD-related conditions. This variant is not present in population databases (gnomAD no frequency). This sequence change replaces glycine, which is neutral and non-polar, with aspartic acid, which is acidic and polar, at codon 388 of the PALLD protein (p.Gly388Asp).

NM_001166108.2(PALLD):c.2675G>A (p.Gly892Asp)

Genes: CBR4 (carbonyl reductase 4; minus strand), PALLD (palladin, cytoskeletal associated protein; plus strand). Cytogenetic location: 4q32.3.
Variant type: single nucleotide variant.
Coding change: c.2675G>A on transcript NM_001166108.2 (MANE Select); coding-DNA position 2675, G replaced by A.
Protein change: p.Gly892Asp; replaces glycine 892 with aspartic acid.
Molecular consequence: missense variant.
Genome position (GRCh38, 1-based): chr4:168,913,979, G>A. VCF-style: chr4-168913979-G-A. GRCh37 (hg19) VCF-style: chr4-169835130-G-A.
Other names: c.1478G>A, p.Gly493Asp (NM_001166109.2); c.1163G>A, p.Gly388Asp (NM_001166110.2); c.503G>A, p.Gly168Asp (NM_001367567.1, NM_001367569.1); c.554G>A, p.Gly185Asp (NM_001367568.1, NM_001367570.1); c.2624G>A, p.Gly875Asp (NM_016081.4); short protein forms G388D, G875D, G493D, G168D, G892D, G185D.
Identifiers: ClinVar variation 216533 (VCV000216533.6), dbSNP rs863224703, ClinGen allele CA336145.